The following is an entry in ClinVar:

ClinVar aggregate classification (germline): Uncertain significance (1 of 4 stars; one submission).

Conditions:
T-B+ severe combined immunodeficiency due to JAK3 deficiency. Also called: SCID, T CELL-NEGATIVE, B CELL-POSITIVE, NK CELL-NEGATIVE; SCID, autosomal recessive, T-negative/B-positive type. Identifiers: Orphanet 35078, MedGen C1833275, MONDO:0010938, OMIM 600802.

Allele frequency attached by ClinVar (database versions not stated): ExAC 0.00002.
gnomAD v4.1: 11 of 1,611,348 alleles (0.00068%); highest among the groups gnomAD compares: Middle Eastern, 0.017%; no homozygotes.

Submission:

Labcorp Genetics (formerly Invitae), Labcorp
Classification: Uncertain significance for T-B+ severe combined immunodeficiency due to JAK3 deficiency. Last evaluated: 2022-04-10. Review status: criteria provided, single submitter. Criteria: Invitae Variant Classification Sherloc (09022015). Collection method: clinical testing. Allele origin: germline.
Comment: This sequence change replaces arginine, which is basic and polar, with glutamine, which is neutral and polar, at codon 445 of the JAK3 protein (p.Arg445Gln). This variant is present in population databases (rs777849274, gnomAD 0.007%). This variant has not been reported in the literature in individuals affected with JAK3-related conditions. Advanced modeling of protein sequence and biophysical properties (such as structural, functional, and spatial information, amino acid conservation, physicochemical variation, residue mobility, and thermodynamic stability) performed at Invitae indicates that this missense variant is not expected to disrupt JAK3 protein function. In summary, the available evidence is currently insufficient to determine the role of this variant in disease. Therefore, it has been classified as a Variant of Uncertain Significance.

NM_000215.4(JAK3):c.1334G>A (p.Arg445Gln)

Gene: JAK3 (Janus kinase 3; minus strand). Cytogenetic location: 19p13.11.
Variant type: single nucleotide variant.
Coding change: c.1334G>A on transcript NM_000215.4 (MANE Select); coding-DNA position 1334, G replaced by A.
Protein change: p.Arg445Gln; replaces arginine 445 with glutamine.
Molecular consequence: missense variant.
Genome position (GRCh38, 1-based): chr19:17,839,584, C>T on the plus strand (G>A on the coding strand, the complement: JAK3 is on the minus strand). VCF-style: chr19-17839584-C-T. GRCh37 (hg19) VCF-style: chr19-17950393-C-T.
Other names: short protein forms R445Q.
Identifiers: ClinVar variation 2176167 (VCV002176167.1), dbSNP rs777849274, ClinGen allele CA9301919.